The following is an entry in ClinVar:

NM_001256789.3(CACNA1F):c.1579_1599del (p.Leu527_Leu533del)

Gene: CACNA1F (calcium voltage-gated channel subunit alpha1 F; minus strand). Cytogenetic location: Xp11.23.
Variant type: Deletion.
Coding change: c.1579_1599del on transcript NM_001256789.3 (MANE Select); coding-DNA positions 1579 to 1599, 21 bases deleted (CTCGTCTTCCTCAACACGTTG).
Protein change: p.Leu527_Leu533del.
Molecular consequence: inframe deletion.
Genome position (GRCh38, 1-based): chrX:49,225,961-49,225,981, CAACGTGTTGAGGAAGACGAG deleted on the plus strand (CTCGTCTTCCTCAACACGTTG on the coding strand, the reverse complement: CACNA1F is on the minus strand); deleting any 21 consecutive bases within chrX:49,225,961-49,225,985 gives the same sequence; the c. name uses the placement nearest the transcript's 3' end. VCF-style (leftmost placement, unchanged base first): chrX-49225960-TCAACGTGTTGAGGAAGACGAG-T. GRCh37 (hg19) VCF-style: chrX-49082422-TCAACGTGTTGAGGAAGACGAG-T.
Other names: c.1417_1437del, p.Leu473_Leu479del (NM_001256790.3); c.1612_1632del, p.Leu538_Leu544del (NM_005183.4).
Identifiers: ClinVar variation 1526287 (VCV001526287.3), dbSNP rs2147917984, ClinGen allele CA2573159001.

ClinVar aggregate classification (germline): Uncertain significance (1 of 4 stars; one submission).

Conditions:
Congenital stationary night blindness 2A (CSNB2A). Also called: CSNB, INCOMPLETE, X-LINKED; Night blindness, congenital stationary (incomplete), 2A, X-linked; CACNA1F-Related X-Linked Congenital Stationary Night Blindness; NIGHT BLINDNESS, CONGENITAL STATIONARY, TYPE 2. Identifiers: Orphanet 215, MedGen C1848172, MONDO:0010241, OMIM 300071.

Submission:

Centre for Genomic Medicine, Manchester, Central Manchester University Hospitals
Classification: Uncertain significance for Congenital stationary night blindness 2A. Review status: criteria provided, single submitter. Criteria: ACMG Guidelines, 2015. Collection method: clinical testing. Allele origin: unknown. Inheritance: X-linked recessive inheritance. Observed: 1 hemizygote.
Comment: PM2 - absent on gnomAD, PM4 not applied as run of 3 leucines. Seen twice in-house (18005766 [congenital nystagmus, photophobia] & 18006522 [?CSNB]). Applied PS4 moderate assuming this finding fits with both patients clinical presentation [variant has been previously identified in multiple (two or more) apparently unrelated affected individuals and has not been reported in gnomAD].